The following is an entry in ClinVar:

ClinVar aggregate classification (germline): Benign. Review status: criteria provided, multiple submitters, no conflicts (2 of 4 stars). 6 submissions from 6 submitters: Benign (4). 2 of the submissions do not count toward it. Last evaluated 2021-07-14.

Conditions:
Hereditary sensory and autonomic neuropathy with spastic paraplegia (HSNSP). Identifiers: Orphanet 139578, MedGen C1850395, MONDO:0009748, OMIM 256840.

Allele frequency attached by ClinVar (database versions not stated): 1000 Genomes Project 30x 0.67598; 1000 Genomes Project 0.68530; ESP Exome Variant Server 0.71298; TOPMed 0.72654; gnomAD 0.74239.
gnomAD v4.1: 1,330,548 of 1,613,564 alleles (82%); highest among the groups gnomAD compares: East Asian, 89%; 555,986 homozygotes.

Submissions (6):

Genome-Nilou Lab
Classification: Benign for Hereditary sensory and autonomic neuropathy with spastic paraplegia. Last evaluated: 2021-07-14. Review status: criteria provided, single submitter. Criteria: ACMG Guidelines, 2015. Collection method: clinical testing. Allele origin: germline. Affected: no.

Illumina Laboratory Services, Illumina
Classification: Benign for Hereditary sensory and autonomic neuropathy with spastic paraplegia. Last evaluated: 2018-01-13. Review status: criteria provided, single submitter. Criteria: ICSL Variant Classification Criteria 13 December 2019. Collection method: clinical testing. Allele origin: germline.
Comment: This variant was observed in the ICSL laboratory as part of a predisposition screen in an ostensibly healthy population. It had not been previously curated by ICSL or reported in the Human Gene Mutation Database (HGMD: prior to June 1st, 2018), and was therefore a candidate for classification through an automated scoring system. Utilizing variant allele frequency, disease prevalence and penetrance estimates, and inheritance mode, an automated score was calculated to assess if this variant is too frequent to cause the disease. Based on the score and internal cut-off values, a variant classified as benign is not then subjected to further curation. The score for this variant resulted in a classification of benign for this disease.

GeneDx
Classification: Benign. Last evaluated: 2015-03-03. Review status: criteria provided, single submitter. Criteria: GeneDx Variant Classification Process June 2021. Collection method: clinical testing. Allele origin: germline. Affected: yes.

Breakthrough Genomics
Classification: Benign. Review status: criteria provided, single submitter. Criteria: ACMG Guidelines, 2015. Collection method: not provided. Allele origin: germline. Inheritance: Autosomal recessive inheritance. Affected: yes.

Clinical Genetics, Academic Medical Center
Classification: Benign. Review status: no assertion criteria provided. Collection method: clinical testing. Allele origin: germline. Affected: yes. Study: VKGL Data-share Consensus. Not counted in ClinVar's aggregate classification.

Diagnostic Laboratory, Department of Genetics, University Medical Center Groningen
Classification: Benign for Hereditary sensory and autonomic neuropathy with spastic paraplegia. Review status: no assertion criteria provided. Collection method: clinical testing. Allele origin: germline. Affected: yes. Study: VKGL Data-share Consensus. Not counted in ClinVar's aggregate classification.

NM_012073.5(CCT5):c.-23G>A

Gene: CCT5 (chaperonin containing TCP1 subunit 5; plus strand). Cytogenetic location: 5p15.2.
Variant type: single nucleotide variant.
Coding change: c.-23G>A on transcript NM_012073.5 (MANE Select); 23 bases upstream of the start codon, G replaced by A.
Molecular consequence: 5 prime UTR variant. On other transcripts: intron variant (1).
Genome position (GRCh38, 1-based): chr5:10,250,318, G>A. VCF-style: chr5-10250318-G-A. GRCh37 (hg19) VCF-style: chr5-10250430-G-A.
Other names: c.-23G>A (NM_001306154.2); c.42+273G>A (NM_001306153.1).
Identifiers: ClinVar variation 350245 (VCV000350245.12), dbSNP rs2548546, ClinGen allele CA3197921.
Genomic context (GRCh38, chr5:10,250,318, plus strand): 5'-GGCCCTCCCGAGAAAGGGAAGTGCATTCTCGCTTCCGTAGCGGTCTCCGCCGGTTGGGGG[G>A]AAGTAATTCCGGTTGTTGCACCATGGCGTCCATGGGGACCCTCGCCTTCGATGAATATGG-3'